The following is an entry in ClinVar:

ClinVar aggregate classification (germline): Uncertain significance (1 of 4 stars; one submission).

Submission:

Labcorp Genetics (formerly Invitae), Labcorp
Classification: Uncertain significance. Last evaluated: 2025-07-31. Review status: criteria provided, single submitter. Criteria: Invitae Variant Classification Sherloc (09022015). Collection method: clinical testing. Allele origin: germline.
Comment: This variant, c.28_54del, results in the deletion of 9 amino acid(s) of the CHD5 protein (p.Glu10_Glu18del), but otherwise preserves the integrity of the reading frame. This variant is not present in population databases (gnomAD no frequency). This variant has not been reported in the literature in individuals affected with CHD5-related conditions. Experimental studies and prediction algorithms are not available or were not evaluated, and the functional significance of this variant is currently unknown. In summary, the available evidence is currently insufficient to determine the role of this variant in disease. Therefore, it has been classified as a Variant of Uncertain Significance.

NM_015557.3(CHD5):c.28_54del (p.Glu10_Glu18del)

Gene: CHD5 (chromodomain helicase DNA binding protein 5; minus strand). Cytogenetic location: 1p36.31.
Variant type: Deletion.
Coding change: c.28_54del on transcript NM_015557.3 (MANE Select); coding-DNA positions 28 to 54, 27 bases deleted (GAGCTGCCGCGGCTGTTCGCCGAGGAG).
Protein change: p.Glu10_Glu18del.
Molecular consequence: inframe deletion.
Genome position (GRCh38, 1-based): chr1:6,179,970-6,179,996, CTCCTCGGCGAACAGCCGCGGCAGCTC deleted on the plus strand (GAGCTGCCGCGGCTGTTCGCCGAGGAG on the coding strand, the reverse complement: CHD5 is on the minus strand); deleting any 27 consecutive bases within chr1:6,179,970-6,180,004 gives the same sequence; the c. name uses the placement nearest the transcript's 3' end. VCF-style (leftmost placement, unchanged base first): chr1-6179969-TCTCCTCGGCGAACAGCCGCGGCAGCTC-T. GRCh37 (hg19) VCF-style: chr1-6240029-TCTCCTCGGCGAACAGCCGCGGCAGCTC-T.
Identifiers: ClinVar variation 4724563 (VCV004724563.1).